The following is an entry in ClinVar:

NM_006949.4(STXBP2):c.274C>T (p.Gln92Ter)

Gene: STXBP2 (syntaxin binding protein 2; plus strand). Cytogenetic location: 19p13.2.
Variant type: single nucleotide variant.
Coding change: c.274C>T on transcript NM_006949.4 (MANE Select); coding-DNA position 274, C replaced by T.
Protein change: p.Gln92Ter; replaces glutamine 92 with a stop codon.
Molecular consequence: nonsense. On other transcripts: non-coding transcript variant (1).
Genome position (GRCh38, 1-based): chr19:7,640,758, C>T. VCF-style: chr19-7640758-C-T. GRCh37 (hg19) VCF-style: chr19-7705644-C-T.
Other names: c.265C>T, p.Gln89Ter (NM_001127396.3); c.307C>T, p.Gln103Ter (NM_001272034.2); c.178C>T, p.Gln60Ter (NM_001414484.1); short protein forms Q92*, Q103*, Q60*, Q89*.
Identifiers: ClinVar variation 3664197 (VCV003664197.2).

ClinVar aggregate classification (germline): Pathogenic (1 of 4 stars; one submission).

Conditions:
Familial hemophagocytic lymphohistiocytosis 5. Also called: STXBP2-Related Familial Hemophagocytic Lymphohistiocytosis (STXBP2-fHLH). Identifiers: Orphanet 540, MedGen C2751293, MONDO:0013135, OMIM 613101.

Submission:

Labcorp Genetics (formerly Invitae), Labcorp
Classification: Pathogenic for Familial hemophagocytic lymphohistiocytosis 5. Last evaluated: 2024-09-01. Review status: criteria provided, single submitter. Criteria: Invitae Variant Classification Sherloc (09022015). Collection method: clinical testing. Allele origin: germline.
Comment: This sequence change creates a premature translational stop signal (p.Gln92*) in the STXBP2 gene. It is expected to result in an absent or disrupted protein product. Loss-of-function variants in STXBP2 are known to be pathogenic (PMID: 19804848, 22451424). This variant is not present in population databases (gnomAD no frequency). This variant has not been reported in the literature in individuals affected with STXBP2-related conditions. Algorithms developed to predict the effect of sequence changes on RNA splicing suggest that this variant may disrupt the consensus splice site. For these reasons, this variant has been classified as Pathogenic.

Literature cited by the submitters: PubMed 19804848; PubMed 22451424.